The following is an entry in ClinVar:

ClinVar aggregate classification (germline): Uncertain significance (1 of 4 stars; one submission).

Allele frequency attached by ClinVar (database versions not stated): gnomAD exomes below 0.00001.

Submission:

Labcorp Genetics (formerly Invitae), Labcorp
Classification: Uncertain significance. Last evaluated: 2023-11-25. Review status: criteria provided, single submitter. Criteria: Invitae Variant Classification Sherloc (09022015). Collection method: clinical testing. Allele origin: germline.
Comment: This sequence change replaces tyrosine, which is neutral and polar, with cysteine, which is neutral and slightly polar, at codon 481 of the CARD8 protein (p.Tyr481Cys). This variant is not present in population databases (gnomAD no frequency). This variant has not been reported in the literature in individuals affected with CARD8-related conditions. An algorithm developed to predict the effect of missense changes on protein structure and function (PolyPhen-2) suggests that this variant is likely to be disruptive. In summary, the available evidence is currently insufficient to determine the role of this variant in disease. Therefore, it has been classified as a Variant of Uncertain Significance.

NM_001184900.3(CARD8):c.1592A>G (p.Tyr531Cys)

Gene: CARD8 (caspase recruitment domain family member 8; minus strand). Cytogenetic location: 19q13.33.
Variant type: single nucleotide variant.
Coding change: c.1592A>G on transcript NM_001184900.3 (MANE Select); coding-DNA position 1592, A replaced by G.
Protein change: p.Tyr531Cys; replaces tyrosine 531 with cysteine.
Molecular consequence: missense variant. On other transcripts: 3 prime UTR variant (7), non-coding transcript variant (3), intron variant (1).
Genome position (GRCh38, 1-based): chr19:48,211,732, T>C on the plus strand (A>G on the coding strand, the complement: CARD8 is on the minus strand). VCF-style: chr19-48211732-T-C. GRCh37 (hg19) VCF-style: chr19-48714989-T-C.
Other names: c.1442A>G, p.Tyr481Cys (NM_001184901.1, NM_001351783.2, NM_014959.5); c.*271A>G (NM_001184902.2, NM_001184903.1, NM_001351788.2 and 4 more transcripts); c.1592A>G, p.Tyr531Cys (NM_001351782.2); c.1277A>G, p.Tyr426Cys (NM_001351784.2); c.1256A>G, p.Tyr419Cys (NM_001351786.2); c.1274A>G, p.Tyr425Cys (NM_001365950.1); c.767A>G, p.Tyr256Cys (NM_001426741.1); c.1033+3608A>G (NM_001351787.2); short protein forms Y256C, Y531C, Y481C, Y419C, Y425C, Y426C.
Identifiers: ClinVar variation 2797229 (VCV002797229.3), dbSNP rs2513791031, ClinGen allele CA406662947.